The following is an entry in ClinVar:

NM_005090.4(JMJD7-PLA2G4B):c.2124C>G (p.Gly708=)

Genes: JMJD7-PLA2G4B (JMJD7-PLA2G4B readthrough; plus strand), PLA2G4B (phospholipase A2 group IVB; plus strand). Cytogenetic location: 15q15.1.
Variant type: single nucleotide variant.
Coding change: c.2124C>G on transcript NM_005090.4; coding-DNA position 2124, C replaced by G.
Protein change: p.Gly708=; no amino-acid change (glycine 708 retained).
Molecular consequence: synonymous variant.
Genome position (GRCh38, 1-based): chr15:41,845,711, C>G. VCF-style: chr15-41845711-C-G. GRCh37 (hg19) VCF-style: chr15-42137909-C-G.
Other names: c.1431C>G, p.Gly477= (NM_001114633.2); c.2124C>G, p.Gly708= (NM_001198588.2).
Identifiers: ClinVar variation 3038916 (VCV003038916.2), dbSNP rs34666895, ClinGen allele CA7500071.

ClinVar aggregate classification (germline): Likely benign (0 of 4 stars; one submission).

Conditions:
JMJD7-PLA2G4B-related disorder. Also called: JMJD7-PLA2G4B-related condition.

Allele frequency attached by ClinVar (database versions not stated): ExAC 0.00061; 1000 Genomes Project 30x 0.00078; 1000 Genomes Project 0.00080; gnomAD 0.00096; TOPMed 0.00103; ESP Exome Variant Server 0.00115.
gnomAD v4.1: 1,854 of 1,613,182 alleles (0.11%); highest among the groups gnomAD compares: Non-Finnish European, 0.14%; no homozygotes.

Submission:

PreventionGenetics, part of Exact Sciences
Classification: Likely benign for JMJD7-PLA2G4B-related condition. Last evaluated: 2019-05-28. Review status: no assertion criteria provided. Collection method: clinical testing. Allele origin: germline.
Comment: This variant is classified as likely benign based on ACMG/AMP sequence variant interpretation guidelines (Richards et al. 2015 PMID: 25741868, with internal and published modifications).